The following is an entry in ClinVar:

NM_001267550.2(TTN):c.56403A>G (p.Gln18801=)

Genes: TTN-AS1 (TTN antisense RNA 1; plus strand), TTN (titin; minus strand). Cytogenetic location: 2q31.2.
Variant type: single nucleotide variant.
Coding change: c.56403A>G on transcript NM_001267550.2 (MANE Select); coding-DNA position 56403, A replaced by G.
Protein change: p.Gln18801=; no amino-acid change (glutamine 18801 retained).
Molecular consequence: synonymous variant.
Genome position (GRCh38, 1-based): chr2:178,599,390, T>C on the plus strand (A>G on the coding strand, the complement: TTN is on the minus strand). VCF-style: chr2-178599390-T-C. GRCh37 (hg19) VCF-style: chr2-179464117-T-C.
Other names: c.51480A>G, p.Gln17160= (NM_001256850.1); c.29208A>G, p.Gln9736= (NM_003319.4); c.29583A>G, p.Gln9861= (NM_133432.3); c.29784A>G, p.Gln9928= (NM_133437.4); c.48699A>G, p.Gln16233= (NM_133378.4).
Identifiers: ClinVar variation 165961 (VCV000165961.42), dbSNP rs553313488, ClinGen allele CA178692.

ClinVar aggregate classification (germline): Conflicting classifications of pathogenicity. Review status: criteria provided, conflicting classifications (1 of 4 stars). 14 submissions from 10 submitters: Uncertain significance (4); Likely benign (8). 2 of the submissions do not count toward it. Last evaluated 2026-09-01.

Conditions:
TTN-related disorder. Also called: TTN-related disorders; TTN-related condition; TTN-related disease.
Cardiovascular phenotype. Identifiers: MedGen CN230736.
Autosomal recessive limb-girdle muscular dystrophy type 2J (LGMDR10). Also called: Limb-girdle muscular dystrophy, type 2J; MUSCULAR DYSTROPHY, LIMB-GIRDLE, AUTOSOMAL RECESSIVE 10. Identifiers: Orphanet 140922, MedGen C1837342, MONDO:0012127, OMIM 608807.
Dilated cardiomyopathy 1G (CMD1G). Identifiers: Orphanet 154, MedGen C1858763, MONDO:0011400, OMIM 604145.
Early-onset myopathy with fatal cardiomyopathy (CMYO5). Also called: Salih Myopathy; CONGENITAL MYOPATHY 5 WITH CARDIOMYOPATHY. Identifiers: Orphanet 289377, MedGen C2673677, MONDO:0012714, OMIM 611705. Disease mechanism: loss of function.
Tibial muscular dystrophy (TMD). Also called: Udd Distal Myopathy – Tibial Muscular Dystrophy; Tibial muscular dystrophy, tardive; UDD MYOPATHY. Identifiers: Orphanet 609, MedGen C1838244, MONDO:0010870, OMIM 600334.
Myopathy, myofibrillar, 9, with early respiratory failure (MFM9). Also called: EDSTROM MYOPATHY; MYOPATHY, PROXIMAL, WITH EARLY RESPIRATORY MUSCLE INVOLVEMENT; Hereditary myopathy with early respiratory failure; Myopathy, distal, with early respiratory failure, autosomal dominant. Identifiers: Orphanet 178464, Orphanet 34521, MedGen C1863599, MONDO:0011362, OMIM 603689.

Allele frequency attached by ClinVar (database versions not stated): gnomAD 0.00003; TOPMed 0.00005; ExAC 0.00006; gnomAD exomes 0.00007.
gnomAD v4.1: 91 of 1,588,244 alleles (0.0057%); highest among the groups gnomAD compares: Admixed American, 0.016%; no homozygotes.

Submissions (14):

CeGaT Center for Human Genetics Tuebingen
Classification: Likely benign. Last evaluated: 2026-09-01. Review status: criteria provided, single submitter. Criteria: CeGaT Center For Human Genetics Tuebingen Variant Classification Criteria Version 2. Collection method: clinical testing. Allele origin: germline. Affected: yes. Observed: 1 variant allele.
Comment: TTN: BP4, BP7

PreventionGenetics, part of Exact Sciences
Classification: Likely benign for TTN-related condition. Last evaluated: 2026-08-28. Review status: criteria provided, single submitter. Criteria: ACMG Guidelines, 2015. Collection method: clinical testing. Allele origin: germline.
Comment: This variant is classified as likely benign based on ACMG/AMP sequence variant interpretation guidelines (Richards et al. 2015 PMID: 25741868, with internal and published modifications).

Labcorp Genetics (formerly Invitae), Labcorp
Classification: Likely benign for Dilated cardiomyopathy 1G; Autosomal recessive limb-girdle muscular dystrophy type 2J. Last evaluated: 2025-12-26. Review status: criteria provided, single submitter. Criteria: Invitae Variant Classification Sherloc (09022015). Collection method: clinical testing. Allele origin: germline.

Blueprint Genetics
Classification: Likely benign. Last evaluated: 2023-06-15. Review status: criteria provided, single submitter. Criteria: ACMG Guidelines, 2015. Collection method: clinical testing. Allele origin: germline.

Ambry Genetics
Classification: Likely benign for Cardiovascular phenotype. Last evaluated: 2019-06-21. Review status: criteria provided, single submitter. Criteria: Ambry Variant Classification Scheme 2023. Collection method: clinical testing. Allele origin: germline.

Illumina Laboratory Services, Illumina
Classification: Uncertain significance for Autosomal recessive limb-girdle muscular dystrophy type 2J. Last evaluated: 2018-01-12. Review status: criteria provided, single submitter. Criteria: ICSL Variant Classification Criteria 13 December 2019. Collection method: clinical testing. Allele origin: germline.

Illumina Laboratory Services, Illumina
Classification: Likely benign for Tibial muscular dystrophy. Last evaluated: 2018-01-12. Review status: criteria provided, single submitter. Criteria: ICSL Variant Classification Criteria 13 December 2019. Collection method: clinical testing. Allele origin: germline.
Comment: This variant was observed in the ICSL laboratory as part of a predisposition screen in an ostensibly healthy population. It had not been previously curated by ICSL or reported in the Human Gene Mutation Database (HGMD: prior to June 1st, 2018), and was therefore a candidate for classification through an automated scoring system. Utilizing variant allele frequency, disease prevalence and penetrance estimates, and inheritance mode, an automated score was calculated to assess if this variant is too frequent to cause the disease. Based on the score and internal cut-off values, a variant classified as likely benign is not then subjected to further curation. The score for this variant resulted in a classification of likely benign for this disease.

Illumina Laboratory Services, Illumina
Classification: Uncertain significance for Dilated cardiomyopathy 1G. Last evaluated: 2018-01-12. Review status: criteria provided, single submitter. Criteria: ICSL Variant Classification Criteria 13 December 2019. Collection method: clinical testing. Allele origin: germline.

Illumina Laboratory Services, Illumina
Classification: Uncertain significance for Early-onset myopathy with fatal cardiomyopathy. Last evaluated: 2018-01-12. Review status: criteria provided, single submitter. Criteria: ICSL Variant Classification Criteria 13 December 2019. Collection method: clinical testing. Allele origin: germline.

Illumina Laboratory Services, Illumina
Classification: Likely benign for Myopathy, myofibrillar, 9, with early respiratory failure. Last evaluated: 2018-01-12. Review status: criteria provided, single submitter. Criteria: ICSL Variant Classification Criteria 13 December 2019. Collection method: clinical testing. Allele origin: germline.
Comment: the same text as in the submission from Illumina Laboratory Services, Illumina above.

Eurofins Ntd Llc (ga)
Classification: Uncertain significance. Last evaluated: 2017-04-06. Review status: criteria provided, single submitter. Criteria: EGL Classification Definitions 2015. Collection method: clinical testing. Allele origin: germline. Observed: 1 variant allele, 1 heterozygote.

Laboratory for Molecular Medicine, Mass General Brigham Personalized Medicine
Classification: Likely benign. Last evaluated: 2014-06-04. Review status: criteria provided, single submitter. Criteria: LMM Criteria. Collection method: clinical testing. Allele origin: germline. Observed: 1 variant allele.
Comment: Gln16233Gln in exon 239 of TTN: This variant is not expected to have clinical si gnificance because it does not alter an amino acid residue and is not located wi thin the splice consensus sequence.

Diagnostic Laboratory, Department of Genetics, University Medical Center Groningen
Classification: Likely benign. Review status: no assertion criteria provided. Collection method: clinical testing. Allele origin: germline. Affected: yes. Study: VKGL Data-share Consensus. Not counted in ClinVar's aggregate classification.

Laboratory of Diagnostic Genome Analysis, Leiden University Medical Center (LUMC)
Classification: Likely benign. Review status: no assertion criteria provided. Collection method: clinical testing. Allele origin: germline. Affected: yes. Study: VKGL Data-share Consensus. Not counted in ClinVar's aggregate classification.